The following is an entry in ClinVar:

ClinVar aggregate classification (germline): Pathogenic (1 of 4 stars; one submission).

Conditions:
Hereditary cancer-predisposing syndrome. Also called: Hereditary Cancer Syndrome; Neoplastic Syndromes, Hereditary; Hereditary neoplastic syndrome; Tumor predisposition. Identifiers: Orphanet 140162, MedGen C0027672, MeSH D009386, MONDO:0015356.

Submission:

Ambry Genetics
Classification: Pathogenic for Hereditary cancer-predisposing syndrome. Last evaluated: 2016-11-18. Review status: criteria provided, single submitter. Criteria: Ambry Variant Classification Scheme 2023. Collection method: clinical testing. Allele origin: germline.
Comment: The c.2228dupT pathogenic mutation, located in coding exon 4 of the MSH6 gene, results from a duplication of T at nucleotide position 2228, causing a translational frameshift with a predicted alternate stop codon. This alteration is expected to result in loss of function by premature protein truncation or nonsense-mediated mRNA decay. As such, this alteration is interpreted as a disease-causing mutation.

NM_000179.3(MSH6):c.2228dup (p.Leu743fs)

Gene: MSH6 (mutS homolog 6; plus strand). Cytogenetic location: 2p16.3.
Variant type: Duplication.
Coding change: c.2228dup on transcript NM_000179.3 (MANE Select); coding-DNA position 2228, one base duplicated (T; older notation c.2228dupT).
Protein change: p.Leu743fs; shifts the reading frame from leucine 743.
Molecular consequence: frameshift variant.
Genome position (GRCh38, 1-based): chr2:47,800,211, T duplicated; the last of 2 consecutive T bases (chr2:47,800,210-47,800,211); duplicating either gives the same sequence. VCF-style (leftmost placement, unchanged base first): chr2-47800209-C-CT. GRCh37 (hg19) VCF-style: chr2-48027348-C-CT.
Other names: c.1838dup, p.Leu613fs (NM_001281492.2); c.1322dup, p.Leu441fs (NM_001281493.2, NM_001281494.2); c.2228dupT (NM_000179.2); short protein forms L743fs, L613fs, L441fs.
Identifiers: ClinVar variation 428389 (VCV000428389.5), dbSNP rs1114167761, ClinGen allele CA645369261.